The following is an entry in ClinVar:

ClinVar aggregate classification (germline): Conflicting classifications of pathogenicity. Review status: criteria provided, conflicting classifications (1 of 4 stars). 9 submissions from 9 submitters: Uncertain significance (7); Likely benign (1). 1 of the submissions does not count toward it. Last evaluated 2024-05-28.

Conditions:
Hereditary cancer-predisposing syndrome. Also called: Tumor predisposition; Hereditary Cancer Syndrome; Neoplastic Syndromes, Hereditary; Hereditary neoplastic syndrome. Identifiers: Orphanet 140162, MedGen C0027672, MeSH D009386, MONDO:0015356.
Hereditary diffuse gastric adenocarcinoma (HDGC). Also called: DIFFUSE GASTRIC AND LOBULAR BREAST CANCER SYNDROME. Identifiers: Orphanet 26106, MedGen C1708349, MONDO:0007648, OMIM 137215.
Familial cancer of breast. Also called: Hereditary breast cancer; BREAST CANCER, FAMILIAL; hereditary breast carcinoma. Identifiers: Orphanet 227535, MedGen C0346153, MONDO:0016419, OMIM 114480. Disease mechanism: loss of function.

Allele frequency attached by ClinVar (database versions not stated): gnomAD exomes below 0.00001 and 0.00001; ExAC 0.00001; gnomAD 0.00001; TOPMed 0.00002.
gnomAD v4.1: 6 of 1,614,054 alleles (0.00037%); highest among the groups gnomAD compares: Non-Finnish European, 0.00042%; no homozygotes.

Submissions (9):

Labcorp Genetics (formerly Invitae), Labcorp
Classification: Uncertain significance for Hereditary diffuse gastric adenocarcinoma. Last evaluated: 2024-05-28. Review status: criteria provided, single submitter. Criteria: Invitae Variant Classification Sherloc (09022015). Collection method: clinical testing. Allele origin: germline.
Comment: This sequence change replaces threonine, which is neutral and polar, with isoleucine, which is neutral and non-polar, at codon 84 of the CDH1 protein (p.Thr84Ile). This variant is present in population databases (rs754388534, gnomAD 0.01%). This variant has not been reported in the literature in individuals affected with CDH1-related conditions. ClinVar contains an entry for this variant (Variation ID: 219521). Algorithms developed to predict the effect of missense changes on protein structure and function output the following: SIFT: "Not Available"; PolyPhen-2: "Benign"; Align-GVGD: "Not Available". The isoleucine amino acid residue is found in multiple mammalian species, which suggests that this missense change does not adversely affect protein function. In summary, the available evidence is currently insufficient to determine the role of this variant in disease. Therefore, it has been classified as a Variant of Uncertain Significance.

ARUP Laboratories, Molecular Genetics and Genomics, ARUP Laboratories
Classification: Uncertain significance. Last evaluated: 2024-02-22. Review status: criteria provided, single submitter. Criteria: ARUP Molecular Germline Variant Investigation Process 2024. Collection method: clinical testing. Allele origin: germline.
Comment: The CDH1 c.251C>T; p.Thr84Ile variant (rs754388534), to our knowledge, is not reported in the medical literature but is reported in ClinVar (Variation ID: 219521). This variant is only found on two alleles in the Genome Aggregation Database (v2.1.1), indicating it is not a common polymorphism. Computational analyses predict that this variant is neutral (REVEL: 0.075). Due to limited information, the clinical significance of this variant is uncertain at this time.

Color Diagnostics, LLC DBA Color Health
Classification: Uncertain significance for Hereditary cancer-predisposing syndrome. Last evaluated: 2023-12-05. Review status: criteria provided, single submitter. Criteria: ACMG Guidelines, 2015. Collection method: clinical testing. Allele origin: germline.
Comment: This missense variant replaces threonine with isoleucine at codon 84 of the CDH1 protein. To our knowledge, functional studies have not been reported for this variant. This variant has not been reported in individuals affected with CDH1-related disorders in the literature. This variant has been identified in 2/251392 chromosomes in the general population by the Genome Aggregation Database (gnomAD). The available evidence is insufficient to determine the role of this variant in disease conclusively. Therefore, this variant is classified as a Variant of Uncertain Significance.

Ambry Genetics
Classification: Likely benign for Hereditary cancer-predisposing syndrome. Last evaluated: 2023-11-16. Review status: criteria provided, single submitter. Criteria: Ambry Variant Classification Scheme 2023. Collection method: clinical testing. Allele origin: germline.

Baylor Genetics
Classification: Uncertain significance for Familial cancer of breast. Last evaluated: 2023-09-29. Review status: criteria provided, single submitter. Criteria: ACMG Guidelines, 2015. Collection method: clinical testing. Allele origin: unknown.

Myriad Genetics, Inc.
Classification: Uncertain significance for Hereditary diffuse gastric adenocarcinoma. Last evaluated: 2023-03-03. Review status: criteria provided, single submitter. Criteria: Myriad Autosomal Dominant, Autosomal Recessive and X-Linked Classification Criteria (2023). Collection method: clinical testing. Allele origin: unknown.
Comment: This variant is classified as a variant of uncertain significance as there is insufficient evidence to determine its impact on protein function and/or cancer risk.

Sema4
Classification: Uncertain significance for Hereditary cancer-predisposing syndrome. Last evaluated: 2022-02-21. Review status: criteria provided, single submitter. Criteria: Sema4 Curation Guidelines. Collection method: curation. Allele origin: germline.
Comment: The CDH1 c.251C>T (p.T84I) variant has not been reported in the literature to our knowledge. This variant was observed in 1/10076 chromosomes in the Ashkenazi Jewish population according to the Genome Aggregation Database (PMID: 32461654). This variant has been reported in ClinVar (Variation ID: 219521). In silico tools suggest the impact of the variant on protein function is benign, though these predictions have not been confirmed by functional studies. There is no indication that this variant causes disease, but the evidence is insufficient currently to prove that conclusively. Thus, the clinical significance of this variant is currently uncertain.

GeneDx
Classification: Uncertain significance. Last evaluated: 2017-08-24. Review status: criteria provided, single submitter. Criteria: GeneDx Variant Classification (06012015). Collection method: clinical testing. Allele origin: germline. Affected: yes.
Comment: This variant is denoted CDH1 c.251C>T at the cDNA level, p.Thr84Ile (T84I) at the protein level, and results in the change of a Threonine to an Isoleucine (ACA>ATA). This variant has not, to our knowledge, been published in the literature as pathogenic or benign. CDH1 Thr84Ile was not observed at a significant allele frequency in large population cohorts (NHLBI Exome Sequencing Project, The 1000 Genomes Consortium 2015, Lek 2016). Since Threonine and Isoleucine differ in polarity, charge, size or other properties, this is considered a non-conservative amino acid substitution. CDH1 Thr84Ile occurs at a position that is not conserved and is located within the Precursor sequence (Brooks-Wilson 2004). In silico analyses predict that this variant is unlikely to alter protein structure or function. Based on currently available evidence, it is unclear whether CDH1 Thr84Ile is a pathogenic or benign variant. We consider it to be a variant of uncertain significance.

Counsyl
Classification: Uncertain significance for Hereditary diffuse gastric adenocarcinoma. Last evaluated: 2017-03-13. Review status: no assertion criteria provided. Collection method: clinical testing. Allele origin: unknown. Not counted in ClinVar's aggregate classification.

NM_004360.5(CDH1):c.251C>T (p.Thr84Ile)

Gene: CDH1 (cadherin 1; plus strand). Cytogenetic location: 16q22.1.
Variant type: single nucleotide variant.
Coding change: c.251C>T on transcript NM_004360.5 (MANE Select); coding-DNA position 251, C replaced by T.
Protein change: p.Thr84Ile; replaces threonine 84 with isoleucine.
Molecular consequence: missense variant. On other transcripts: 5 prime UTR variant (2).
Genome position (GRCh38, 1-based): chr16:68,801,757, C>T. VCF-style: chr16-68801757-C-T. GRCh37 (hg19) VCF-style: chr16-68835660-C-T.
Other names: c.251C>T (LRG_301t1); c.251C>T, p.Thr84Ile (NM_001317184.2); c.-1365C>T (NM_001317185.2); c.-1569C>T (NM_001317186.2); short protein forms T84I.
Identifiers: ClinVar variation 219521 (VCV000219521.24), dbSNP rs754388534, ClinGen allele CA348746.